The following is an entry in ClinVar:

NM_021072.4(HCN1):c.124C>T (p.Pro42Ser)

Gene: HCN1 (hyperpolarization activated cyclic nucleotide gated potassium channel 1; minus strand). Cytogenetic location: 5p12.
Variant type: single nucleotide variant.
Coding change: c.124C>T on transcript NM_021072.4 (MANE Select); coding-DNA position 124, C replaced by T.
Protein change: p.Pro42Ser; replaces proline 42 with serine.
Molecular consequence: missense variant.
Genome position (GRCh38, 1-based): chr5:45,695,970, G>A on the plus strand (C>T on the coding strand, the complement: HCN1 is on the minus strand). VCF-style: chr5-45695970-G-A. GRCh37 (hg19) VCF-style: chr5-45696072-G-A.
Other names: short protein forms P42S.
Identifiers: ClinVar variation 404100 (VCV000404100.62), dbSNP rs56164833, ClinGen allele CA16611919.

ClinVar aggregate classification (germline): Benign/Likely benign. Review status: criteria provided, multiple submitters, no conflicts (2 of 4 stars). 8 submissions from 8 submitters: Benign (1); Likely benign (4). 3 of the submissions do not count toward it. Last evaluated 2026-03-01.

Conditions:
Early-infantile DEE. Also called: Early infantile epileptic encephalopathy; Ohtahara syndrome; Early infantile epileptic encephalopathy with suppression bursts. Identifiers: Orphanet 1934, MedGen C0393706, MONDO:0800491.
Inborn genetic diseases. Identifiers: MedGen C0950123, MeSH D030342.
HCN1-related disorder. Also called: HCN1-related condition; HCN1-related disorders.

Allele frequency attached by ClinVar (database versions not stated): gnomAD 0.00033 and 0.00035; TOPMed 0.00036; gnomAD exomes 0.00052 and 0.00067.
gnomAD v4.1: 822 of 1,321,252 alleles (0.062%); highest among the groups gnomAD compares: Non-Finnish European, 0.077%; no homozygotes.

Submissions (8):

CeGaT Center for Human Genetics Tuebingen
Classification: Likely benign. Last evaluated: 2026-03-01. Review status: criteria provided, single submitter. Criteria: CeGaT Center For Human Genetics Tuebingen Variant Classification Criteria Version 2. Collection method: clinical testing. Allele origin: germline. Affected: yes. Observed: 8 variant alleles.
Comment: HCN1: PP3, BS2

Labcorp Genetics (formerly Invitae), Labcorp
Classification: Benign for Early-infantile DEE. Last evaluated: 2026-01-05. Review status: criteria provided, single submitter. Criteria: Invitae Variant Classification Sherloc (09022015). Collection method: clinical testing. Allele origin: germline.

PreventionGenetics, part of Exact Sciences
Classification: Likely benign for HCN1-related condition. Last evaluated: 2025-05-01. Review status: criteria provided, single submitter. Criteria: ACMG Guidelines, 2015. Collection method: clinical testing. Allele origin: germline.
Comment: This variant is classified as likely benign based on ACMG/AMP sequence variant interpretation guidelines (Richards et al. 2015 PMID: 25741868, with internal and published modifications).

Blueprint Genetics
Classification: Likely benign. Last evaluated: 2024-11-15. Review status: criteria provided, single submitter. Criteria: ACMG Guidelines, 2015. Collection method: clinical testing. Allele origin: germline.

Ambry Genetics
Classification: Likely benign for Inborn genetic diseases. Last evaluated: 2021-12-15. Review status: criteria provided, single submitter. Criteria: Ambry Variant Classification Scheme 2023. Collection method: clinical testing. Allele origin: germline.

Clinical Genetics DNA and cytogenetics Diagnostics Lab, Erasmus MC, Erasmus Medical Center
Classification: Likely benign. Review status: no assertion criteria provided. Collection method: clinical testing. Allele origin: germline. Affected: yes. Study: VKGL Data-share Consensus. Not counted in ClinVar's aggregate classification.

Diagnostic Laboratory, Department of Genetics, University Medical Center Groningen
Classification: Likely benign. Review status: no assertion criteria provided. Collection method: clinical testing. Allele origin: germline. Affected: yes. Study: VKGL Data-share Consensus. Not counted in ClinVar's aggregate classification.

Genome Diagnostics Laboratory, University Medical Center Utrecht
Classification: Likely benign. Review status: no assertion criteria provided. Collection method: clinical testing. Allele origin: germline. Affected: yes. Study: VKGL Data-share Consensus. Not counted in ClinVar's aggregate classification.